The following is an entry in ClinVar:

NM_005876.5(SPEG):c.5189G>A (p.Gly1730Asp)

Gene: SPEG (striated muscle enriched protein kinase; plus strand). Cytogenetic location: 2q35.
Variant type: single nucleotide variant.
Coding change: c.5189G>A on transcript NM_005876.5 (MANE Select); coding-DNA position 5189, G replaced by A.
Protein change: p.Gly1730Asp; replaces glycine 1730 with aspartic acid.
Molecular consequence: missense variant.
Genome position (GRCh38, 1-based): chr2:219,479,987, G>A. VCF-style: chr2-219479987-G-A. GRCh37 (hg19) VCF-style: chr2-220344709-G-A.
Other names: short protein forms G1730D.
Identifiers: ClinVar variation 4728057 (VCV004728057.1).

ClinVar aggregate classification (germline): Uncertain significance (1 of 4 stars; one submission).

Submission:

Labcorp Genetics (formerly Invitae), Labcorp
Classification: Uncertain significance. Last evaluated: 2025-09-28. Review status: criteria provided, single submitter. Criteria: Invitae Variant Classification Sherloc (09022015). Collection method: clinical testing. Allele origin: germline.
Comment: This sequence change replaces glycine, which is neutral and non-polar, with aspartic acid, which is acidic and polar, at codon 1730 of the SPEG protein (p.Gly1730Asp). This variant is not present in population databases (gnomAD no frequency). This variant has not been reported in the literature in individuals affected with SPEG-related conditions. An algorithm developed to predict the effect of missense changes on protein structure and function (PolyPhen-2) suggests that this variant is likely to be tolerated. In summary, the available evidence is currently insufficient to determine the role of this variant in disease. Therefore, it has been classified as a Variant of Uncertain Significance.